The following is an entry in ClinVar:

ClinVar aggregate classification (germline): Conflicting classifications of pathogenicity. Review status: criteria provided, conflicting classifications (1 of 4 stars). 7 submissions from 7 submitters: Uncertain significance (4); Likely benign (2). 1 of the submissions does not count toward it. Last evaluated 2025-10-19.

Conditions:
SIX5-related disorder. Also called: SIX5-related condition.

Allele frequency attached by ClinVar (database versions not stated): ESP Exome Variant Server 0.00015; TOPMed 0.00027.
gnomAD v4.1: 114 of 1,607,962 alleles (0.0071%); highest among the groups gnomAD compares: African/African-American, 0.081%; no homozygotes.

Submissions (7):

PreventionGenetics, part of Exact Sciences
Classification: Uncertain significance for SIX5-related condition. Last evaluated: 2025-10-19. Review status: criteria provided, single submitter. Criteria: ACMG Guidelines, 2015. Collection method: clinical testing. Allele origin: germline.
Comment: The SIX5 c.1943C>T variant is predicted to result in the amino acid substitution p.Pro648Leu. To our knowledge, this variant has not been reported in the literature. This variant is reported in 0.11% of alleles in individuals of African descent in gnomAD. Although we suspect that this variant may be benign, at this time, the clinical significance of this variant is uncertain due to the absence of conclusive functional and genetic evidence.

Labcorp Genetics (formerly Invitae), Labcorp
Classification: Uncertain significance. Last evaluated: 2025-10-08. Review status: criteria provided, single submitter. Criteria: Invitae Variant Classification Sherloc (09022015). Collection method: clinical testing. Allele origin: germline.
Comment: This sequence change replaces proline, which is neutral and non-polar, with leucine, which is neutral and non-polar, at codon 648 of the SIX5 protein (p.Pro648Leu). This variant is present in population databases (rs140816771, gnomAD 0.1%), and has an allele count higher than expected for a pathogenic variant. This variant has not been reported in the literature in individuals affected with SIX5-related conditions. ClinVar contains an entry for this variant (Variation ID: 593389). Invitae Evidence Modeling of protein sequence and biophysical properties (such as structural, functional, and spatial information, amino acid conservation, physicochemical variation, residue mobility, and thermodynamic stability) indicates that this missense variant is not expected to disrupt SIX5 protein function with a negative predictive value of 80%. In summary, the available evidence is currently insufficient to determine the role of this variant in disease. Therefore, it has been classified as a Variant of Uncertain Significance.

GeneDx
Classification: Uncertain significance. Last evaluated: 2025-05-06. Review status: criteria provided, single submitter. Criteria: GeneDx Variant Classification Process June 2021. Collection method: clinical testing. Allele origin: germline. Affected: yes.
Comment: In silico analysis suggests that this missense variant does not alter protein structure/function; Has not been previously published as pathogenic or benign to our knowledge; Variants in candidate genes are classified as variants of uncertain significance in accordance with ACMG guidelines (PMID: 25741868)

CeGaT Center for Human Genetics Tuebingen
Classification: Likely benign. Last evaluated: 2024-10-01. Review status: criteria provided, single submitter. Criteria: CeGaT Center For Human Genetics Tuebingen Variant Classification Criteria Version 2. Collection method: clinical testing. Allele origin: germline. Affected: yes. Observed: 1 variant allele.
Comment: SIX5: BS2

Ambry Genetics
Classification: Likely benign. Last evaluated: 2024-07-31. Review status: criteria provided, single submitter. Criteria: Ambry Variant Classification Scheme 2023. Collection method: clinical testing. Allele origin: germline.

Eurofins Ntd Llc (ga)
Classification: Uncertain significance. Last evaluated: 2017-07-31. Review status: criteria provided, single submitter. Criteria: EGL Classification Definitions 2015. Collection method: clinical testing. Allele origin: germline. Observed: 1 variant allele, 1 heterozygote.

Genetic Services Laboratory, University of Chicago
Classification: Likely benign. Last evaluated: 2022-09-13. Review status: no assertion criteria provided. Collection method: clinical testing. Allele origin: germline. Affected: no. Not counted in ClinVar's aggregate classification.

NM_175875.5(SIX5):c.1943C>T (p.Pro648Leu)

Gene: SIX5 (SIX homeobox 5; minus strand). Cytogenetic location: 19q13.32.
Variant type: single nucleotide variant.
Coding change: c.1943C>T on transcript NM_175875.5 (MANE Select); coding-DNA position 1943, C replaced by T.
Protein change: p.Pro648Leu; replaces proline 648 with leucine.
Molecular consequence: missense variant.
Genome position (GRCh38, 1-based): chr19:45,765,778, G>A on the plus strand (C>T on the coding strand, the complement: SIX5 is on the minus strand). VCF-style: chr19-45765778-G-A. GRCh37 (hg19) VCF-style: chr19-46269036-G-A.
Other names: short protein forms P648L.
Identifiers: ClinVar variation 593389 (VCV000593389.30), dbSNP rs140816771, ClinGen allele CA9520469.